The following is an entry in ClinVar:

NM_001329943.3(KIAA0586):c.3679G>C (p.Glu1227Gln)

Gene: KIAA0586 (KIAA0586; plus strand). Cytogenetic location: 14q23.1.
Variant type: single nucleotide variant.
Coding change: c.3679G>C on transcript NM_001329943.3 (MANE Select); coding-DNA position 3679, G replaced by C.
Protein change: p.Glu1227Gln; replaces glutamic acid 1227 with glutamine.
Molecular consequence: missense variant.
Genome position (GRCh38, 1-based): chr14:58,488,772, G>C. VCF-style: chr14-58488772-G-C. GRCh37 (hg19) VCF-style: chr14-58955490-G-C.
Other names: c.3451G>C (NM_014749.3); c.3838G>C, p.Glu1280Gln (NM_001244189.2); c.3634G>C, p.Glu1212Gln (NM_001244190.2); c.3424G>C, p.Glu1142Gln (NM_001244191.2, NM_001329945.2, NM_001364700.1 and 1 more transcripts); c.3547G>C, p.Glu1183Gln (NM_001244192.2); c.3259G>C, p.Glu1087Gln (NM_001244193.2); c.3679G>C, p.Glu1227Gln (NM_001329944.2, NM_001329946.2, NM_001329947.2); c.3451G>C, p.Glu1151Gln (NM_014749.5); short protein forms E1087Q, E1227Q, E1280Q, E1212Q, E1142Q, E1151Q, E1183Q.
Identifiers: ClinVar variation 1487372 (VCV001487372.7), dbSNP rs560315226, ClinGen allele CA7206227.

ClinVar aggregate classification (germline): Uncertain significance. Review status: criteria provided, multiple submitters, no conflicts (2 of 4 stars). 2 submissions from 2 submitters: Uncertain significance (2). Last evaluated 2025-12-10.

Conditions:
Inborn genetic diseases. Identifiers: MedGen C0950123, MeSH D030342.
Short-rib thoracic dysplasia 14 with polydactyly (SRTD14). Identifiers: Orphanet 397715, MedGen C4225286, MONDO:0014688, OMIM 616546.
Joubert syndrome 23 (JBTS23). Identifiers: Orphanet 475, MedGen C4084822, MONDO:0014664, OMIM 616490.

Allele frequency attached by ClinVar (database versions not stated): gnomAD 0.00001 and 0.00003; gnomAD exomes 0.00001 and 0.00002; TOPMed 0.00002; 1000 Genomes Project 0.00020; 1000 Genomes Project 30x 0.00016; ExAC 0.00002.
gnomAD v4.1: 19 of 1,613,828 alleles (0.0012%); highest among the groups gnomAD compares: Non-Finnish European, 0.0016%; no homozygotes.

Submissions (2):

Labcorp Genetics (formerly Invitae), Labcorp
Classification: Uncertain significance for Joubert syndrome 23; Short-rib thoracic dysplasia 14 with polydactyly. Last evaluated: 2025-12-10. Review status: criteria provided, single submitter. Criteria: Invitae Variant Classification Sherloc (09022015). Collection method: clinical testing. Allele origin: germline.
Comment: This sequence change replaces glutamic acid, which is acidic and polar, with glutamine, which is neutral and polar, at codon 1280 of the KIAA0586 protein (p.Glu1280Gln). This variant is present in population databases (rs560315226, gnomAD 0.005%). This variant has not been reported in the literature in individuals affected with KIAA0586-related conditions. ClinVar contains an entry for this variant (Variation ID: 1487372). Invitae Evidence Modeling of protein sequence and biophysical properties (such as structural, functional, and spatial information, amino acid conservation, physicochemical variation, residue mobility, and thermodynamic stability) indicates that this missense variant is expected to disrupt KIAA0586 protein function with a positive predictive value of 80%. In summary, the available evidence is currently insufficient to determine the role of this variant in disease. Therefore, it has been classified as a Variant of Uncertain Significance.

Ambry Genetics
Classification: Uncertain significance for Inborn genetic diseases. Last evaluated: 2024-11-13. Review status: criteria provided, single submitter. Criteria: Ambry Variant Classification Scheme 2023. Collection method: clinical testing. Allele origin: germline.